The following is an entry in ClinVar:

ClinVar aggregate classification (germline): Uncertain significance (1 of 4 stars; one submission).

Conditions:
Charcot-Marie-Tooth Neuropathy X. Identifiers: MedGen CN118851.

Submission:

Labcorp Genetics (formerly Invitae), Labcorp
Classification: Uncertain significance for Charcot-Marie-Tooth Neuropathy X. Last evaluated: 2025-12-17. Review status: criteria provided, single submitter. Criteria: Invitae Variant Classification Sherloc (09022015). Collection method: clinical testing. Allele origin: germline.
Comment: This sequence change replaces serine, which is neutral and polar, with phenylalanine, which is neutral and non-polar, at codon 49 of the GJB1 protein (p.Ser49Phe). This variant is not present in population databases (gnomAD no frequency). This variant has not been reported in the literature in individuals affected with GJB1-related conditions. Invitae Evidence Modeling of protein sequence and biophysical properties (such as structural, functional, and spatial information, amino acid conservation, physicochemical variation, residue mobility, and thermodynamic stability) has been performed for this missense variant. However, the output from this modeling did not meet the statistical confidence thresholds required to predict the impact of this variant on GJB1 protein function. This variant disrupts the p.Ser49 amino acid residue in GJB1. Other variant(s) that disrupt this residue have been determined to be pathogenic (PMID: 8628473, 27844031). This suggests that this residue is clinically significant, and that variants that disrupt this residue are likely to be disease-causing. In summary, the available evidence is currently insufficient to determine the role of this variant in disease. Therefore, it has been classified as a Variant of Uncertain Significance.

Literature cited by the submitters: PubMed 8628473; PubMed 27844031.

NM_000166.6(GJB1):c.146C>T (p.Ser49Phe)

Gene: GJB1 (gap junction protein beta 1; plus strand). Cytogenetic location: Xq13.1.
Variant type: single nucleotide variant.
Coding change: c.146C>T on transcript NM_000166.6 (MANE Select); coding-DNA position 146, C replaced by T.
Protein change: p.Ser49Phe; replaces serine 49 with phenylalanine.
Molecular consequence: missense variant.
Genome position (GRCh38, 1-based): chrX:71,223,853, C>T. VCF-style: chrX-71223853-C-T. GRCh37 (hg19) VCF-style: chrX-70443703-C-T.
Other names: c.146C>T, p.Ser49Phe (NM_001097642.3, NM_001440770.1); short protein forms S49F.
Identifiers: ClinVar variation 4710052 (VCV004710052.1).
Genomic context (GRCh38, chrX:71,223,853, plus strand): 5'-TCATCTTCAGAATCATGGTGCTGGTGGTGGCTGCAGAGAGTGTGTGGGGTGATGAGAAAT[C>T]TTCCTTCATCTGCAACACACTCCAGCCTGGCTGCAACAGCGTTTGCTATGACCAATTCTT-3'
Protein context (NP_000157.1, residues 39-59): AAESVWGDEK[Ser49Phe]SFICNTLQPG